The following is an entry in ClinVar:

NM_016222.4(DDX41):c.522C>A (p.Asp174Glu)

Gene: DDX41 (DEAD-box helicase 41; minus strand). Cytogenetic location: 5q35.3.
Variant type: single nucleotide variant.
Coding change: c.522C>A on transcript NM_016222.4 (MANE Select); coding-DNA position 522, C replaced by A.
Protein change: p.Asp174Glu; replaces aspartic acid 174 with glutamic acid.
Molecular consequence: missense variant.
Genome position (GRCh38, 1-based): chr5:177,515,734, G>T on the plus strand (C>A on the coding strand, the complement: DDX41 is on the minus strand). VCF-style: chr5-177515734-G-T. GRCh37 (hg19) VCF-style: chr5-176942735-G-T.
Other names: c.144C>A, p.Asp48Glu (NM_001321732.2, NM_001321830.2); short protein forms D174E, D48E.
Identifiers: ClinVar variation 4617156 (VCV004617156.1).

ClinVar aggregate classification (germline): Uncertain significance (1 of 4 stars; one submission).

Conditions:
Inborn genetic diseases. Identifiers: MedGen C0950123, MeSH D030342.

Submission:

Ambry Genetics
Classification: Uncertain significance for Inborn genetic diseases. Last evaluated: 2025-10-16. Review status: criteria provided, single submitter. Criteria: Ambry Variant Classification Scheme 2023. Collection method: clinical testing. Allele origin: germline.
Comment: The p.D174E variant (also known as c.522C>A), located in coding exon 6 of the DDX41 gene, results from a C to A substitution at nucleotide position 522. The aspartic acid at codon 174 is replaced by glutamic acid, an amino acid with highly similar properties. This amino acid position is well conserved in available vertebrate species. In addition, this alteration is predicted to be tolerated by in silico analysis. Based on the available evidence, the clinical significance of this variant remains unclear.